The following is an entry in ClinVar:

NM_032575.3(GLIS2):c.126G>A (p.Leu42=)

Gene: GLIS2 (GLIS family zinc finger 2; plus strand). Cytogenetic location: 16p13.3.
Variant type: single nucleotide variant.
Coding change: c.126G>A on transcript NM_032575.3 (MANE Select); coding-DNA position 126, G replaced by A.
Protein change: p.Leu42=; no amino-acid change (leucine 42 retained).
Molecular consequence: synonymous variant.
Genome position (GRCh38, 1-based): chr16:4,332,406, G>A. VCF-style: chr16-4332406-G-A. GRCh37 (hg19) VCF-style: chr16-4382407-G-A.
Other names: c.126G>A (NM_032575.2); c.126G>A, p.Leu42= (NM_001318918.2).
Identifiers: ClinVar variation 2708919 (VCV002708919.4), dbSNP rs111615784, ClinGen allele CA7872902.

ClinVar aggregate classification (germline): Likely benign. Review status: criteria provided, multiple submitters, no conflicts (2 of 4 stars). 2 submissions from 2 submitters: Likely benign (2). Last evaluated 2025-03-21.

Conditions:
GLIS2-related disorder. Also called: GLIS2-related condition.
Nephronophthisis. Also called: Juvenile Nephronophthisis. Identifiers: Orphanet 655, MedGen C0687120, MONDO:0019005, HP:0000090.

Allele frequency attached by ClinVar (database versions not stated): ExAC 0.00001; ESP Exome Variant Server 0.00008; 1000 Genomes Project 30x 0.00016; 1000 Genomes Project 0.00020.
gnomAD v4.1: 26 of 1,612,792 alleles (0.0016%); highest among the groups gnomAD compares: African/African-American, 0.033%; 1 homozygote.

Submissions (2):

PreventionGenetics, part of Exact Sciences
Classification: Likely benign for GLIS2-related condition. Last evaluated: 2025-03-21. Review status: criteria provided, single submitter. Criteria: ACMG Guidelines, 2015. Collection method: clinical testing. Allele origin: germline.
Comment: This variant is classified as likely benign based on ACMG/AMP sequence variant interpretation guidelines (Richards et al. 2015 PMID: 25741868, with internal and published modifications).

Labcorp Genetics (formerly Invitae), Labcorp
Classification: Likely benign for Nephronophthisis. Last evaluated: 2023-02-06. Review status: criteria provided, single submitter. Criteria: Invitae Variant Classification Sherloc (09022015). Collection method: clinical testing. Allele origin: germline.